The following is an entry in ClinVar:

NM_000540.3(RYR1):c.13998+3G>A

Gene: RYR1 (ryanodine receptor 1; plus strand). Cytogenetic location: 19q13.2.
Variant type: single nucleotide variant.
Coding change: c.13998+3G>A on transcript NM_000540.3 (MANE Select); 3 bases into the intron after coding-DNA position 13998, G replaced by A.
Molecular consequence: intron variant.
Genome position (GRCh38, 1-based): chr19:38,572,273, G>A. VCF-style: chr19-38572273-G-A. GRCh37 (hg19) VCF-style: chr19-39062913-G-A.
Other names: c.13983+3G>A (NM_001042723.2).
Identifiers: ClinVar variation 329133 (VCV000329133.15), dbSNP rs765404523, ClinGen allele CA060696.

ClinVar aggregate classification (germline): Uncertain significance. Review status: criteria provided, multiple submitters, no conflicts (2 of 4 stars). 6 submissions from 5 submitters: Uncertain significance (5). 1 of the submissions does not count toward it. Last evaluated 2026-01-13.

Conditions:
Central core myopathy (CMYO1A). Also called: Central core disease; Myopathy, central fibrillar; CONGENITAL MYOPATHY 1A, AUTOSOMAL DOMINANT, WITH SUSCEPTIBILITY TO MALIGNANT HYPERTHERMIA. Identifiers: Orphanet 597, MedGen C5830701, MONDO:0007294, OMIM 117000.
Malignant hyperthermia, susceptibility to, 1 (MHS1). Also called: Anesthesia related hyperthermia; Malignant hyperpyrexia; Fulminating hyperpyrexia; Pharmacogenic myopathy; RYR1-Related Malignant Hyperthermia Susceptibility; Malignant hyperthermia suceptibility 1. Identifiers: Orphanet 423, MedGen C2930980, MONDO:0007783, OMIM 145600.
Congenital multicore myopathy with external ophthalmoplegia (CMYO1B). Also called: MULTICORE MYOPATHY; Minicore myopathy with external ophthalmoplegia; Congenital myopathy 1B, autosomal recessive; Minicore myopathy; MULTIMINICORE DISEASE WITH EXTERNAL OPHTHALMOPLEGIA. Identifiers: Orphanet 598, Orphanet 98905, MedGen C1850674, MONDO:0009712, OMIM 255320, HP:0003789.
Congenital myopathy with fiber type disproportion. Also called: Congenital fiber-type disproportion; Congenital fiber-type disproportion myopathy. Identifiers: Orphanet 2020, MedGen C0546264, MONDO:0009711. Inheritance: all.
King Denborough syndrome (KDS). Identifiers: MedGen C1840365, MONDO:0020485, OMIM 619542.
RYR1-related disorder. Also called: RYR1-related condition; RYR1-related disorders. Identifiers: MedGen CN239331.

Allele frequency attached by ClinVar (database versions not stated): ExAC 0.00002; gnomAD exomes 0.00003 and 0.00014; gnomAD 0.00004 and 0.00005; TOPMed 0.00009.
gnomAD v4.1: 205 of 1,612,538 alleles (0.013%); highest among the groups gnomAD compares: Non-Finnish European, 0.017%; no homozygotes.

Submissions (6):

Labcorp Genetics (formerly Invitae), Labcorp
Classification: Uncertain significance for RYR1-related disorder. Last evaluated: 2026-01-13. Review status: criteria provided, single submitter. Criteria: Invitae Variant Classification Sherloc (09022015). Collection method: clinical testing. Allele origin: germline.
Comment: This sequence change falls in intron 95 of the RYR1 gene. It does not directly change the encoded amino acid sequence of the RYR1 protein. It affects a nucleotide within the consensus splice site. This variant is present in population databases (rs765404523, gnomAD 0.006%). This variant has been observed in individual(s) with clinical features of autosomal dominant congenital myopathy (internal data). ClinVar contains an entry for this variant (Variation ID: 329133). Variants that disrupt the consensus splice site are a relatively common cause of aberrant splicing (PMID: 17576681, 9536098). Algorithms developed to predict the effect of sequence changes on RNA splicing suggest that this variant is not likely to affect RNA splicing. In summary, the available evidence is currently insufficient to determine the role of this variant in disease. Therefore, it has been classified as a Variant of Uncertain Significance.

Color Diagnostics, LLC DBA Color Health
Classification: Uncertain significance for Malignant hyperthermia, susceptibility to, 1. Last evaluated: 2024-05-17. Review status: criteria provided, single submitter. Criteria: ACMG Guidelines, 2015. Collection method: clinical testing. Allele origin: germline.
Comment: This variant causes a G to A nucleotide substitution at the +3 position of intron 95 of the RYR1 gene. To our knowledge, RNA studies have not been reported for this variant. This variant has not been reported in individuals affected with RYR1-related disorders in the literature. This variant has been identified in 9/280964 chromosomes in the general population by the Genome Aggregation Database (gnomAD). The available evidence is insufficient to determine the role of this variant in disease conclusively. Therefore, this variant is classified as a Variant of Uncertain Significance.

Fulgent Genetics
Classification: Uncertain significance for Central core myopathy; Malignant hyperthermia, susceptibility to, 1; Congenital myopathy 4A, autosomal dominant; Congenital multicore myopathy with external ophthalmoplegia; King Denborough syndrome. Last evaluated: 2021-09-01. Review status: criteria provided, single submitter. Criteria: ACMG Guidelines, 2015. Collection method: clinical testing. Allele origin: unknown.

Illumina Laboratory Services, Illumina
Classification: Uncertain significance for Congenital multicore myopathy with external ophthalmoplegia. Last evaluated: 2018-01-12. Review status: criteria provided, single submitter. Criteria: ICSL Variant Classification Criteria 13 December 2019. Collection method: clinical testing. Allele origin: germline.

Illumina Laboratory Services, Illumina
Classification: Uncertain significance for Malignant hyperthermia, susceptibility to, 1. Last evaluated: 2018-01-12. Review status: criteria provided, single submitter. Criteria: ICSL Variant Classification Criteria 13 December 2019. Collection method: clinical testing. Allele origin: germline.

PreventionGenetics, part of Exact Sciences
Classification: Likely benign for RYR1-related condition. Last evaluated: 2021-06-14. Review status: no assertion criteria provided. Collection method: clinical testing. Allele origin: germline. Not counted in ClinVar's aggregate classification.
Comment: This variant is classified as likely benign based on ACMG/AMP sequence variant interpretation guidelines (Richards et al. 2015 PMID: 25741868, with internal and published modifications).

Literature cited by the submitters: PubMed 17576681 (cited by Labcorp Genetics (formerly Invitae), Labcorp); PubMed 9536098 (cited by Labcorp Genetics (formerly Invitae), Labcorp).